The following is an entry in ClinVar:

NM_001376.5(DYNC1H1):c.10754+3A>G

Gene: DYNC1H1 (dynein cytoplasmic 1 heavy chain 1; plus strand). Cytogenetic location: 14q32.31.
Variant type: single nucleotide variant.
Coding change: c.10754+3A>G on transcript NM_001376.5 (MANE Select); 3 bases into the intron after coding-DNA position 10754, A replaced by G.
Molecular consequence: intron variant.
Genome position (GRCh38, 1-based): chr14:102,034,455, A>G. VCF-style: chr14-102034455-A-G. GRCh37 (hg19) VCF-style: chr14-102500792-A-G.
Identifiers: ClinVar variation 1492725 (VCV001492725.6), dbSNP rs2152592348, ClinGen allele CA2573150418.
Genomic context (GRCh38, chr14:102,034,455, plus strand): 5'-CCTTGCCTGCTGATGACCTTTGCACAGAAAATGCCATCATGCTGAAACGATTCAATAGGT[A>G]TGAGCTCGGGTGCCAAGGAGAGGCATGGGAGGAATGTGGGTGGTGATCTTGAATTTTTTT-3'

ClinVar aggregate classification (germline): Uncertain significance (1 of 4 stars; one submission).

Conditions:
Charcot-Marie-Tooth disease axonal type 2O. Also called: CHARCOT-MARIE-TOOTH NEUROPATHY, AXONAL, TYPE 2O; CHARCOT-MARIE-TOOTH DISEASE, AXONAL, AUTOSOMAL DOMINANT, TYPE 2O; Charcot-Marie-Tooth disease, axonal, type 20; Charcot-Marie-Tooth Neuropathy Type 2O. Identifiers: Orphanet 284232, MedGen C3280220, MONDO:0013644, OMIM 614228.

Submission:

Labcorp Genetics (formerly Invitae), Labcorp
Classification: Uncertain significance for Charcot-Marie-Tooth disease axonal type 2O. Last evaluated: 2021-04-13. Review status: criteria provided, single submitter. Criteria: Invitae Variant Classification Sherloc (09022015). Collection method: clinical testing. Allele origin: germline.
Comment: In summary, the available evidence is currently insufficient to determine the role of this variant in disease. Therefore, it has been classified as a Variant of Uncertain Significance. Nucleotide substitutions within the consensus splice site are a relatively common cause of aberrant splicing (PMID: 17576681, 9536098). Algorithms developed to predict the effect of sequence changes on RNA splicing suggest that this variant may disrupt the consensus splice site, but this prediction has not been confirmed by published transcriptional studies. This variant has not been reported in the literature in individuals with DYNC1H1-related conditions. This variant is not present in population databases (ExAC no frequency). This sequence change falls in intron 56 of the DYNC1H1 gene. It does not directly change the encoded amino acid sequence of the DYNC1H1 protein. It affects a nucleotide within the consensus splice site of the intron.

Literature cited by the submitters: PubMed 17576681; PubMed 9536098.